The following is an entry in ClinVar:

NM_001142864.4(PIEZO1):c.2180+1G>C

Genes: HSALR1 (HSP90AB1 associated lncRNA 1; plus strand), PIEZO1 (piezo type mechanosensitive ion channel component 1 (Er blood group); minus strand). Cytogenetic location: 16q24.3.
Variant type: single nucleotide variant.
Coding change: c.2180+1G>C on transcript NM_001142864.4 (MANE Select); the canonical splice donor site of the intron after coding-DNA position 2180, G replaced by C.
Molecular consequence: splice donor variant.
Genome position (GRCh38, 1-based): chr16:88,734,355, C>G on the plus strand (G>C on the coding strand, the complement: PIEZO1 is on the minus strand). VCF-style: chr16-88734355-C-G. GRCh37 (hg19) VCF-style: chr16-88800763-C-G.
Identifiers: ClinVar variation 4849371 (VCV004849371.1).
Genomic context (GRCh38, chr16:88,734,355, plus strand): 5'-TCCCTCCCTGGCCCAGGAGGCTACACCTCTCCAGGGCCGGACAGGGAGGGCGGGGCCGCA[C>G]CTGTGAGCCCAGCGCGGGAGGCGCGTGCCAGGCAGGGACACGTGCTCCATGTCGGTGAGC-3'

ClinVar aggregate classification (germline): Likely pathogenic (1 of 4 stars; one submission).

Conditions:
Lymphatic malformation 6 (LMPHM6). Also called: Lymphedema, hereditary, III; PIEZO1-related generalized lymphatic dysplasia with non-immune hydrops fetalis; GENERALIZED LYMPHATIC DYSPLASIA OF FOTIOU. Identifiers: Orphanet 568062, MedGen C4225184, MONDO:0014797, OMIM 616843.

Submission:

First Genomix Gene Laboratory, Genetic Diagnostics Department
Classification: Likely pathogenic for Lymphatic malformation 6. Last evaluated: 2025-07-14. Review status: criteria provided, single submitter. Criteria: ACMG Guidelines, 2015. Collection method: clinical testing. Allele origin: germline. Inheritance: Autosomal recessive inheritance. Affected: no. Observed: 1 variant allele.